The following is an entry in ClinVar:

ClinVar aggregate classification (germline): Uncertain significance. Review status: criteria provided, multiple submitters, no conflicts (2 of 4 stars). 2 submissions from 2 submitters: Uncertain significance (2). Last evaluated 2023-12-21.

Conditions:
Neuronopathy, distal hereditary motor, autosomal recessive 5. Also called: Spinal muscular atrophy, distal, autosomal recessive, 5; Young adult-onset distal hereditary motor neuropathy; NEUROPATHY, DISTAL HEREDITARY MOTOR, AUTOSOMAL RECESSIVE 5. Identifiers: Orphanet 314485, Orphanet 443950, MedGen C4749918, MONDO:0013947, OMIM 614881.

Allele frequency attached by ClinVar (database versions not stated): gnomAD 0.00002 and 0.00001; gnomAD exomes 0.00002 and 0.00001; TOPMed 0.00002; ExAC 0.00002.
gnomAD v4.1: 17 of 1,614,022 alleles (0.0011%); highest among the groups gnomAD compares: African/African-American, 0.0053%; no homozygotes.

Submissions (2):

GeneDx
Classification: Uncertain significance. Last evaluated: 2023-12-21. Review status: criteria provided, single submitter. Criteria: GeneDx Variant Classification Process June 2021. Collection method: clinical testing. Allele origin: germline. Affected: yes.
Comment: Not observed at significant frequency in large population cohorts (gnomAD); In silico analysis supports that this missense variant has a deleterious effect on protein structure/function; Has not been previously published as pathogenic or benign to our knowledge; This variant is associated with the following publications: (PMID: 22522442)

Labcorp Genetics (formerly Invitae), Labcorp
Classification: Uncertain significance for Neuronopathy, distal hereditary motor, autosomal recessive 5. Last evaluated: 2022-03-24. Review status: criteria provided, single submitter. Criteria: Invitae Variant Classification Sherloc (09022015). Collection method: clinical testing. Allele origin: germline.
Comment: In summary, the available evidence is currently insufficient to determine the role of this variant in disease. Therefore, it has been classified as a Variant of Uncertain Significance. Algorithms developed to predict the effect of missense changes on protein structure and function output the following: SIFT: "Deleterious"; PolyPhen-2: "Possibly Damaging"; Align-GVGD: "Class C0". The tryptophan amino acid residue is found in multiple mammalian species, which suggests that this missense change does not adversely affect protein function. ClinVar contains an entry for this variant (Variation ID: 424323). This variant has not been reported in the literature in individuals affected with DNAJB2-related conditions. This variant is present in population databases (rs763649673, gnomAD 0.007%). This sequence change replaces arginine, which is basic and polar, with tryptophan, which is neutral and slightly polar, at codon 82 of the DNAJB2 protein (p.Arg82Trp).

NM_006736.6(DNAJB2):c.244C>T (p.Arg82Trp)

Gene: DNAJB2 (DnaJ heat shock protein family (Hsp40) member B2; plus strand). Cytogenetic location: 2q35.
Variant type: single nucleotide variant.
Coding change: c.244C>T on transcript NM_006736.6 (MANE Select); coding-DNA position 244, C replaced by T.
Protein change: p.Arg82Trp; replaces arginine 82 with tryptophan.
Molecular consequence: missense variant.
Genome position (GRCh38, 1-based): chr2:219,281,953, C>T. VCF-style: chr2-219281953-C-T. GRCh37 (hg19) VCF-style: chr2-220146675-C-T.
Other names: c.244C>T, p.Arg82Trp (NM_001039550.2); short protein forms R82W.
Identifiers: ClinVar variation 424323 (VCV000424323.12), dbSNP rs763649673, ClinGen allele CA2122891.